The following is an entry in ClinVar:

ClinVar aggregate classification (germline): Uncertain significance (1 of 4 stars; one submission).

Submission:

Labcorp Genetics (formerly Invitae), Labcorp
Classification: Uncertain significance. Last evaluated: 2024-05-15. Review status: criteria provided, single submitter. Criteria: Invitae Variant Classification Sherloc (09022015). Collection method: clinical testing. Allele origin: germline.
Comment: This sequence change replaces glutamic acid, which is acidic and polar, with lysine, which is basic and polar, at codon 324 of the RASA2 protein (p.Glu324Lys). This variant is not present in population databases (gnomAD no frequency). This variant has not been reported in the literature in individuals affected with RASA2-related conditions. Advanced modeling of protein sequence and biophysical properties (such as structural, functional, and spatial information, amino acid conservation, physicochemical variation, residue mobility, and thermodynamic stability) performed at Invitae indicates that this missense variant is not expected to disrupt RASA2 protein function with a negative predictive value of 80%. In summary, the available evidence is currently insufficient to determine the role of this variant in disease. Therefore, it has been classified as a Variant of Uncertain Significance.

NM_006506.5(RASA2):c.970G>A (p.Glu324Lys)

Gene: RASA2 (RAS p21 protein activator 2; plus strand). Cytogenetic location: 3q23.
Variant type: single nucleotide variant.
Coding change: c.970G>A on transcript NM_006506.5 (MANE Select); coding-DNA position 970, G replaced by A.
Protein change: p.Glu324Lys; replaces glutamic acid 324 with lysine.
Molecular consequence: missense variant.
Genome position (GRCh38, 1-based): chr3:141,571,018, G>A. VCF-style: chr3-141571018-G-A. GRCh37 (hg19) VCF-style: chr3-141289860-G-A.
Other names: c.970G>A, p.Glu324Lys (NM_001303245.3, NM_001303246.3); short protein forms E324K.
Identifiers: ClinVar variation 3615456 (VCV003615456.2).